The following is an entry in ClinVar:

NM_001845.6(COL4A1):c.4290G>C (p.Leu1430Phe)

Gene: COL4A1 (collagen type IV alpha 1 chain; minus strand). Cytogenetic location: 13q34.
Variant type: single nucleotide variant.
Coding change: c.4290G>C on transcript NM_001845.6 (MANE Select); coding-DNA position 4290, G replaced by C.
Protein change: p.Leu1430Phe; replaces leucine 1430 with phenylalanine.
Molecular consequence: missense variant.
Genome position (GRCh38, 1-based): chr13:110,162,402, C>G on the plus strand (G>C on the coding strand, the complement: COL4A1 is on the minus strand). VCF-style: chr13-110162402-C-G. GRCh37 (hg19) VCF-style: chr13-110814749-C-G.
Other names: short protein forms L1430F.
Identifiers: ClinVar variation 1718136 (VCV001718136.5), dbSNP rs2501738702, ClinGen allele CA388658507.

ClinVar aggregate classification (germline): Uncertain significance (1 of 4 stars; one submission).

Submission:

Labcorp Genetics (formerly Invitae), Labcorp
Classification: Uncertain significance. Last evaluated: 2022-11-22. Review status: criteria provided, single submitter. Criteria: Invitae Variant Classification Sherloc (09022015). Collection method: clinical testing. Allele origin: germline.
Comment: In summary, the available evidence is currently insufficient to determine the role of this variant in disease. Therefore, it has been classified as a Variant of Uncertain Significance. Algorithms developed to predict the effect of missense changes on protein structure and function are either unavailable or do not agree on the potential impact of this missense change (SIFT: "Deleterious"; PolyPhen-2: "Not Available"; Align-GVGD: "Class C0"). This variant has not been reported in the literature in individuals affected with COL4A1-related conditions. This variant is not present in population databases (gnomAD no frequency). This sequence change replaces leucine, which is neutral and non-polar, with phenylalanine, which is neutral and non-polar, at codon 1430 of the COL4A1 protein (p.Leu1430Phe).